The following is an entry in ClinVar:

NM_002693.3(POLG):c.1546G>C (p.Glu516Gln)

Gene: POLG (DNA polymerase gamma, catalytic subunit; minus strand). Cytogenetic location: 15q26.1.
Variant type: single nucleotide variant.
Coding change: c.1546G>C on transcript NM_002693.3 (MANE Select); coding-DNA position 1546, G replaced by C.
Protein change: p.Glu516Gln; replaces glutamic acid 516 with glutamine.
Molecular consequence: missense variant.
Genome position (GRCh38, 1-based): chr15:89,326,951, C>G on the plus strand (G>C on the coding strand, the complement: POLG is on the minus strand). VCF-style: chr15-89326951-C-G. GRCh37 (hg19) VCF-style: chr15-89870182-C-G.
Other names: c.1546G>C, p.Glu516Gln (NM_001126131.2); short protein forms E516Q.
Identifiers: ClinVar variation 2240117 (VCV002240117.3), dbSNP rs767802442, ClinGen allele CA393760779.

ClinVar aggregate classification (germline): Uncertain significance. Review status: criteria provided, multiple submitters, no conflicts (2 of 4 stars). 2 submissions from 2 submitters: Uncertain significance (2). Last evaluated 2025-07-20.

Conditions:
Progressive sclerosing poliodystrophy (MTDPS4A). Also called: Mitochondrial DNA depletion syndrome 4A (Alpers type); ALPERS PROGRESSIVE INFANTILE POLIODYSTROPHY; NEURONAL DEGENERATION OF CHILDHOOD WITH LIVER DISEASE, PROGRESSIVE; Alpers Syndrome; ALPERS DIFFUSE DEGENERATION OF CEREBRAL GRAY MATTER WITH HEPATIC CIRRHOSIS; Alpers-Huttenlocher Syndrome. Identifiers: Orphanet 726, MedGen C0205710, MONDO:0008758, OMIM 203700.
Inborn genetic diseases. Identifiers: MedGen C0950123, MeSH D030342.

Submissions (2):

Labcorp Genetics (formerly Invitae), Labcorp
Classification: Uncertain significance for Progressive sclerosing poliodystrophy. Last evaluated: 2025-07-20. Review status: criteria provided, single submitter. Criteria: Invitae Variant Classification Sherloc (09022015). Collection method: clinical testing. Allele origin: germline.
Comment: This sequence change replaces glutamic acid, which is acidic and polar, with glutamine, which is neutral and polar, at codon 516 of the POLG protein (p.Glu516Gln). This variant is not present in population databases (gnomAD no frequency). This variant has not been reported in the literature in individuals affected with POLG-related conditions. ClinVar contains an entry for this variant (Variation ID: 2240117). Invitae Evidence Modeling of protein sequence and biophysical properties (such as structural, functional, and spatial information, amino acid conservation, physicochemical variation, residue mobility, and thermodynamic stability) indicates that this missense variant is not expected to disrupt POLG protein function with a negative predictive value of 95%. In summary, the available evidence is currently insufficient to determine the role of this variant in disease. Therefore, it has been classified as a Variant of Uncertain Significance.

Ambry Genetics
Classification: Uncertain significance for Inborn genetic diseases. Last evaluated: 2021-08-02. Review status: criteria provided, single submitter. Criteria: Ambry Variant Classification Scheme 2023. Collection method: clinical testing. Allele origin: germline.